The following is an entry in ClinVar:

NM_018249.6(CDK5RAP2):c.1021A>G (p.Ile341Val)

Gene: CDK5RAP2 (CDK5 regulatory subunit associated protein 2; minus strand). Cytogenetic location: 9q33.2.
Variant type: single nucleotide variant.
Coding change: c.1021A>G on transcript NM_018249.6 (MANE Select); coding-DNA position 1021, A replaced by G.
Protein change: p.Ile341Val; replaces isoleucine 341 with valine.
Molecular consequence: missense variant. On other transcripts: non-coding transcript variant (5).
Genome position (GRCh38, 1-based): chr9:120,525,057, T>C on the plus strand (A>G on the coding strand, the complement: CDK5RAP2 is on the minus strand). VCF-style: chr9-120525057-T-C. GRCh37 (hg19) VCF-style: chr9-123287335-T-C.
Other names: c.1021A>G, p.Ile341Val (NM_001011649.3, NM_001272039.2, NM_001410992.1 and 2 more transcripts); short protein forms I341V.
Identifiers: ClinVar variation 2907718 (VCV002907718.3), dbSNP rs2040838887, ClinGen allele CA374702812.

ClinVar aggregate classification (germline): Uncertain significance (1 of 4 stars; one submission).

Allele frequency attached by ClinVar (database versions not stated): gnomAD 0.00001; gnomAD exomes 0.00001.
gnomAD v4.1: 5 of 1,613,922 alleles (0.00031%); highest among the groups gnomAD compares: Non-Finnish European, 0.00042%; no homozygotes.

Submission:

Labcorp Genetics (formerly Invitae), Labcorp
Classification: Uncertain significance. Last evaluated: 2025-09-02. Review status: criteria provided, single submitter. Criteria: Invitae Variant Classification Sherloc (09022015). Collection method: clinical testing. Allele origin: germline.
Comment: This sequence change replaces isoleucine, which is neutral and non-polar, with valine, which is neutral and non-polar, at codon 341 of the CDK5RAP2 protein (p.Ile341Val). This variant is not present in population databases (gnomAD no frequency). This variant has not been reported in the literature in individuals affected with CDK5RAP2-related conditions. ClinVar contains an entry for this variant (Variation ID: 2907718). An algorithm developed to predict the effect of missense changes on protein structure and function outputs the following: PolyPhen-2: "Benign". The valine amino acid residue is found in multiple mammalian species, which suggests that this missense change does not adversely affect protein function. In summary, the available evidence is currently insufficient to determine the role of this variant in disease. Therefore, it has been classified as a Variant of Uncertain Significance.